The following is an entry in ClinVar:

NM_183357.3(ADCY5):c.3061C>T (p.Gln1021Ter)

Gene: ADCY5 (adenylate cyclase 5; minus strand). Cytogenetic location: 3q21.1.
Variant type: single nucleotide variant.
Coding change: c.3061C>T on transcript NM_183357.3 (MANE Select); coding-DNA position 3061, C replaced by T.
Protein change: p.Gln1021Ter; replaces glutamine 1021 with a stop codon.
Molecular consequence: nonsense.
Genome position (GRCh38, 1-based): chr3:123,296,086, G>A on the plus strand (C>T on the coding strand, the complement: ADCY5 is on the minus strand). VCF-style: chr3-123296086-G-A. GRCh37 (hg19) VCF-style: chr3-123014933-G-A.
Other names: c.2011C>T, p.Gln671Ter (NM_001199642.1); c.3136C>T, p.Gln1046Ter (NM_001378259.1); short protein forms Q1021*, Q1046*, Q671*.
Identifiers: ClinVar variation 1804151 (VCV001804151.1), dbSNP rs1553718863, ClinGen allele CA354224000.

ClinVar aggregate classification (germline): Likely pathogenic (1 of 4 stars; one submission).

Conditions:
Dyskinesia with orofacial involvement, autosomal dominant (DSKOD). Also called: Dyskinesia, familial, with facial myokymia; Familial dyskinesia and facial myokymia; Familial Dyskinesia with Facial Myokymia (FDFM). Identifiers: Orphanet 324588, MedGen C1847627, MONDO:0800028, OMIM 606703.

Submission:

Institute of Human Genetics, University of Leipzig Medical Center
Classification: Likely pathogenic for Dyskinesia with orofacial involvement, autosomal dominant. Last evaluated: 2022-11-07. Review status: criteria provided, single submitter. Criteria: ACMG Guidelines, 2015. Collection method: clinical testing. Allele origin: paternal. Affected: yes.
Comment: _x000D_ Criteria applied: PVS1, PM2_SUP